The following is an entry in ClinVar:

ClinVar aggregate classification (germline): Uncertain significance. Review status: criteria provided, multiple submitters, no conflicts (2 of 4 stars). 2 submissions from 2 submitters: Uncertain significance (2). Last evaluated 2024-10-24.

Allele frequency attached by ClinVar (database versions not stated): ExAC 0.00003; ESP Exome Variant Server 0.00008.
gnomAD v4.1: 29 of 1,609,644 alleles (0.0018%); highest among the groups gnomAD compares: South Asian, 0.0044%; no homozygotes.

Submissions (2):

Labcorp Genetics (formerly Invitae), Labcorp
Classification: Uncertain significance. Last evaluated: 2024-10-24. Review status: criteria provided, single submitter. Criteria: Invitae Variant Classification Sherloc (09022015). Collection method: clinical testing. Allele origin: germline.
Comment: This sequence change replaces arginine, which is basic and polar, with tryptophan, which is neutral and slightly polar, at codon 169 of the FUK protein (p.Arg169Trp). This variant is present in population databases (rs370681598, gnomAD 0.009%). This variant has not been reported in the literature in individuals affected with FUK-related conditions. An algorithm developed to predict the effect of missense changes on protein structure and function (PolyPhen-2) suggests that this variant is likely to be disruptive. In summary, the available evidence is currently insufficient to determine the role of this variant in disease. Therefore, it has been classified as a Variant of Uncertain Significance.

Ambry Genetics
Classification: Uncertain significance. Last evaluated: 2023-12-18. Review status: criteria provided, single submitter. Criteria: Ambry Variant Classification Scheme 2023. Collection method: clinical testing. Allele origin: germline.

NM_145059.3(FCSK):c.505C>T (p.Arg169Trp)

Gene: FCSK (fucose kinase; plus strand). Cytogenetic location: 16q22.1.
Variant type: single nucleotide variant.
Coding change: c.505C>T on transcript NM_145059.3 (MANE Select); coding-DNA position 505, C replaced by T.
Protein change: p.Arg169Trp; replaces arginine 169 with tryptophan.
Molecular consequence: missense variant.
Genome position (GRCh38, 1-based): chr16:70,467,394, C>T. VCF-style: chr16-70467394-C-T. GRCh37 (hg19) VCF-style: chr16-70501297-C-T.
Other names: short protein forms R169W.
Identifiers: ClinVar variation 3094295 (VCV003094295.3), dbSNP rs370681598, ClinGen allele CA8142966.